The following is an entry in ClinVar:

NM_002769.5(PRSS1):c.193T>C (p.Tyr65His)

Genes: TRB (T cell receptor beta locus; plus strand), PRSS1 (serine protease 1; plus strand). Cytogenetic location: 7q34.
Variant type: single nucleotide variant.
Coding change: c.193T>C on transcript NM_002769.5 (MANE Select); coding-DNA position 193, T replaced by C.
Protein change: p.Tyr65His; replaces tyrosine 65 with histidine.
Molecular consequence: missense variant. On other transcripts: non-coding transcript variant (2).
Genome position (GRCh38, 1-based): chr7:142,750,707, T>C. VCF-style: chr7-142750707-T-C. GRCh37 (hg19) VCF-style: chr7-142458558-T-C.
Other names: short protein forms Y65H.
Identifiers: ClinVar variation 1783040 (VCV001783040.2), dbSNP rs1224714031, ClinGen allele CA369607580.

ClinVar aggregate classification (germline): Uncertain significance (1 of 4 stars; one submission).

Conditions:
Hereditary pancreatitis (PCTT). Also called: Hereditary chronic pancreatitis; PRSS1-Related Hereditary Pancreatitis. Identifiers: Orphanet 676, MedGen C0238339, MONDO:0008185, OMIM 167800.

Allele frequency attached by ClinVar (database versions not stated): gnomAD exomes below 0.00001; gnomAD 0.00001.
gnomAD v4.1: 2 of 1,613,748 alleles (0.00012%); highest among the groups gnomAD compares: East Asian, 0.0022%; no homozygotes.

Submission:

Ambry Genetics
Classification: Uncertain significance for Hereditary pancreatitis. Last evaluated: 2021-09-16. Review status: criteria provided, single submitter. Criteria: Ambry Variant Classification Scheme 2023. Collection method: clinical testing. Allele origin: germline.
Comment: The p.Y65H variant (also known as c.193T>C), located in coding exon 2 of the PRSS1 gene, results from a T to C substitution at nucleotide position 193. The tyrosine at codon 65 is replaced by histidine, an amino acid with similar properties. This amino acid position is conserved. In addition, this alteration is predicted to be deleterious by in silico analysis. Since supporting evidence is limited at this time, the clinical significance of this alteration remains unclear.